The following is an entry in ClinVar:

ClinVar aggregate classification (germline): Uncertain significance. Review status: criteria provided, multiple submitters, no conflicts (2 of 4 stars). 5 submissions from 5 submitters: Uncertain significance (3). 2 of the submissions do not count toward it. Last evaluated 2025-10-23.

Conditions:
A2ML1-related disorder. Also called: A2ML1-related condition.

Allele frequency attached by ClinVar (database versions not stated): gnomAD 0.00001 and 0.00002; ExAC 0.00002; gnomAD exomes 0.00002 and 0.00003; TOPMed 0.00004; ESP Exome Variant Server 0.00008.
gnomAD v4.1: 41 of 1,613,748 alleles (0.0025%); highest among the groups gnomAD compares: East Asian, 0.047%; no homozygotes.

Submissions (5):

Labcorp Genetics (formerly Invitae), Labcorp
Classification: Uncertain significance. Last evaluated: 2025-10-23. Review status: criteria provided, single submitter. Criteria: Invitae Variant Classification Sherloc (09022015). Collection method: clinical testing. Allele origin: germline.
Comment: This sequence change replaces aspartic acid, which is acidic and polar, with asparagine, which is neutral and polar, at codon 480 of the A2ML1 protein (p.Asp480Asn). This variant is present in population databases (rs368024371, gnomAD 0.007%). This variant has not been reported in the literature in individuals affected with A2ML1-related conditions. ClinVar contains an entry for this variant (Variation ID: 1299990). An algorithm developed to predict the effect of missense changes on protein structure and function (PolyPhen-2) suggests that this variant is likely to be disruptive. In summary, the available evidence is currently insufficient to determine the role of this variant in disease. Therefore, it has been classified as a Variant of Uncertain Significance.

PreventionGenetics, part of Exact Sciences
Classification: Uncertain significance for A2ML1-related condition. Last evaluated: 2025-05-29. Review status: criteria provided, single submitter. Criteria: ACMG Guidelines, 2015. Collection method: clinical testing. Allele origin: germline.
Comment: The A2ML1 c.1438G>A variant is predicted to result in the amino acid substitution p.Asp480Asn. To our knowledge, this variant has not been reported in the literature. This variant is reported in 0.0065% of alleles in individuals of African descent in gnomAD. At this time, the clinical significance of this variant is uncertain due to the absence of conclusive functional and genetic evidence.

Women's Health and Genetics/Laboratory Corporation of America, LabCorp
Classification: Uncertain significance. Last evaluated: 2023-04-23. Review status: criteria provided, single submitter. Criteria: LabCorp Variant Classification Summary - May 2015. Collection method: clinical testing. Allele origin: germline.

Clinical Genetics DNA and cytogenetics Diagnostics Lab, Erasmus MC, Erasmus Medical Center
Classification: Likely benign. Review status: no assertion criteria provided. Collection method: clinical testing. Allele origin: germline. Affected: yes. Study: VKGL Data-share Consensus. Not counted in ClinVar's aggregate classification.

Joint Genome Diagnostic Labs from Nijmegen and Maastricht, Radboudumc and MUMC+
Classification: Likely benign. Review status: no assertion criteria provided. Collection method: clinical testing. Allele origin: germline. Affected: yes. Study: VKGL Data-share Consensus. Not counted in ClinVar's aggregate classification.

NM_144670.6(A2ML1):c.1438G>A (p.Asp480Asn)

Gene: A2ML1 (alpha-2-macroglobulin like 1; plus strand). Cytogenetic location: 12p13.31.
Variant type: single nucleotide variant.
Coding change: c.1438G>A on transcript NM_144670.6 (MANE Select); coding-DNA position 1438, G replaced by A.
Protein change: p.Asp480Asn; replaces aspartic acid 480 with asparagine.
Molecular consequence: missense variant.
Genome position (GRCh38, 1-based): chr12:8,843,323, G>A. VCF-style: chr12-8843323-G-A. GRCh37 (hg19) VCF-style: chr12-8995919-G-A.
Other names: c.1438G>A (NM_144670.5); short protein forms D480N.
Identifiers: ClinVar variation 1299990 (VCV001299990.9), dbSNP rs368024371, ClinGen allele CA6435652.